The following is an entry in ClinVar:

NM_021008.4(DEAF1):c.86_87delinsTG (p.Ala29Val)

Gene: DEAF1 (DEAF1 transcription factor; minus strand). Cytogenetic location: 11p15.5.
Variant type: Indel.
Coding change: c.86_87delinsTG on transcript NM_021008.4 (MANE Select); coding-DNA positions 86 to 87, CC replaced by TG.
Protein change: p.Ala29Val; replaces alanine 29 with valine.
Molecular consequence: missense variant. On other transcripts: intron variant (1).
Genome position (GRCh38, 1-based): chr11:694,961-694,962, GG replaced by CA on the plus strand (CC replaced by TG on the coding strand, the reverse complement: DEAF1 is on the minus strand). VCF-style: chr11-694961-GG-CA. GRCh37 (hg19) VCF-style: chr11-694961-GG-CA.
Other names: c.86_87delCCinsTG, p.Ala29Val (NM_001293634.2); c.-437-3364_-437-3363delinsTG (NM_001367390.1); short protein forms A29V.
Identifiers: ClinVar variation 1945492 (VCV001945492.5), dbSNP rs2494506812, ClinGen allele CA2580083863.
Genomic context (GRCh38, chr11:694,961, plus strand): 5'-CTCCGAGTCCTCGTCCCTGCTCAGCACCGGCTCCTCCGCCTCGCCTCCTGCCGCGGCCGC[GG>CA]CCGCCGCCGCCACAGCGGCCGCGGCCGCCACCGCCGCCGCCTCAGCCAGGCCCAGCTGCT-3'
Protein context (NP_066288.2, residues 19-39): VAAAAAVAAA[Ala29Val]AAAAGGEAEE

ClinVar aggregate classification (germline): Uncertain significance (1 of 4 stars; one submission).

Submission:

Labcorp Genetics (formerly Invitae), Labcorp
Classification: Uncertain significance. Last evaluated: 2023-04-05. Review status: criteria provided, single submitter. Criteria: Invitae Variant Classification Sherloc (09022015). Collection method: clinical testing. Allele origin: germline.
Comment: Information on the frequency of this variant in the gnomAD database is not available, as this variant may be reported differently in the database. This sequence change replaces alanine, which is neutral and non-polar, with valine, which is neutral and non-polar, at codon 29 of the DEAF1 protein (p.Ala29Val). ClinVar contains an entry for this variant (Variation ID: 1945492). In summary, the available evidence is currently insufficient to determine the role of this variant in disease. Therefore, it has been classified as a Variant of Uncertain Significance. An algorithm developed to predict the effect of missense changes on protein structure and function (PolyPhen-2) suggests that this variant is likely to be disruptive. This variant has not been reported in the literature in individuals affected with DEAF1-related conditions.